The following is an entry in ClinVar:

NM_000535.7(PMS2):c.2418G>A (p.Met806Ile)

Gene: PMS2 (PMS1 homolog 2, mismatch repair system component; minus strand). Cytogenetic location: 7p22.1.
Variant type: single nucleotide variant.
Coding change: c.2418G>A on transcript NM_000535.7 (MANE Select); coding-DNA position 2418, G replaced by A.
Protein change: p.Met806Ile; replaces methionine 806 with isoleucine.
Molecular consequence: missense variant. On other transcripts: non-coding transcript variant (1).
Genome position (GRCh38, 1-based): chr7:5,977,615, C>T on the plus strand (G>A on the coding strand, the complement: PMS2 is on the minus strand). VCF-style: chr7-5977615-C-T. GRCh37 (hg19) VCF-style: chr7-6017246-C-T.
Other names: c.2013G>A, p.Met671Ile (NM_001322003.2, NM_001322004.2, NM_001322005.2); c.2262G>A, p.Met754Ile (NM_001322006.2); c.2100G>A, p.Met700Ile (NM_001322007.2, NM_001322008.2); c.2046G>A, p.Met682Ile (NM_001322009.2); c.1857G>A, p.Met619Ile (NM_001322010.2); c.1485G>A, p.Met495Ile (NM_001322011.2, NM_001322012.2); c.1845G>A, p.Met615Ile (NM_001322013.2); c.2451G>A, p.Met817Ile (NM_001322014.2); and 1 more; short protein forms M806I, M615I, M754I, M619I, M671I, M682I, M495I, M817I.
Identifiers: ClinVar variation 186626 (VCV000186626.11), dbSNP rs786203096, ClinGen allele CA011467.

ClinVar aggregate classification (germline): Uncertain significance. Review status: criteria provided, multiple submitters, no conflicts (2 of 4 stars). 3 submissions from 3 submitters: Uncertain significance (3). Last evaluated 2026-01-27.

Conditions:
Hereditary cancer-predisposing syndrome. Also called: Hereditary Cancer Syndrome; Neoplastic Syndromes, Hereditary; Tumor predisposition; Hereditary neoplastic syndrome. Identifiers: Orphanet 140162, MedGen C0027672, MeSH D009386, MONDO:0015356.
Hereditary nonpolyposis colorectal neoplasms. Identifiers: MedGen C0009405, MeSH D003123.

Submissions (3):

Women's Health and Genetics/Laboratory Corporation of America, LabCorp
Classification: Uncertain significance. Last evaluated: 2026-01-27. Review status: criteria provided, single submitter. Criteria: LabCorp Variant Classification Summary - May 2015. Collection method: clinical testing. Allele origin: germline.
Comment: Variant summary: PMS2 c.2418G>A (p.Met806Ile) results in a conservative amino acid change located in the MutL C-terminal dimerisation domain of the encoded protein sequence. Algorithms developed to predict the effect of missense changes on protein structure and function are either unavailable or do not agree on the potential impact of this missense change. The frequency data for this variant in gnomAD is considered unreliable, as metrics indicate poor data quality at this position. To our knowledge, no occurrence of c.2418G>A in individuals affected with PMS2-related conditions and no experimental evidence demonstrating its impact on protein function have been reported. ClinVar contains an entry for this variant (Variation ID: 186626). Based on the evidence outlined above, the variant was classified as uncertain significance.

Labcorp Genetics (formerly Invitae), Labcorp
Classification: Uncertain significance for Hereditary nonpolyposis colorectal neoplasms. Last evaluated: 2025-08-06. Review status: criteria provided, single submitter. Criteria: Invitae Variant Classification Sherloc (09022015). Collection method: clinical testing. Allele origin: germline.
Comment: This sequence change replaces methionine, which is neutral and non-polar, with isoleucine, which is neutral and non-polar, at codon 806 of the PMS2 protein (p.Met806Ile). The frequency data for this variant in the population databases (gnomAD) is considered unreliable due to the presence of homologous sequence, such as pseudogenes or paralogs, in the genome. This variant has not been reported in the literature in individuals affected with PMS2-related conditions. ClinVar contains an entry for this variant (Variation ID: 186626). Invitae Evidence Modeling incorporating data from in vitro experimental studies (internal data) indicates that this missense variant is not expected to disrupt PMS2 function with a negative predictive value of 95%. In summary, the available evidence is currently insufficient to determine the role of this variant in disease. Therefore, it has been classified as a Variant of Uncertain Significance.

Ambry Genetics
Classification: Uncertain significance for Hereditary cancer-predisposing syndrome. Last evaluated: 2019-02-28. Review status: criteria provided, single submitter. Criteria: Ambry Variant Classification Scheme 2023. Collection method: clinical testing. Allele origin: germline.
Comment: The p.M806I variant (also known as c.2418G>A), located in coding exon 14 of the PMS2 gene, results from a G to A substitution at nucleotide position 2418. The methionine at codon 806 is replaced by isoleucine, an amino acid with highly similar properties. This amino acid position is highly conserved in available vertebrate species. In addition, this alteration is predicted to be deleterious by in silico analysis. Since supporting evidence is limited at this time, the clinical significance of this alteration remains unclear.